The following is an entry in ClinVar:

NM_001330260.2(SCN8A):c.463C>A (p.Pro155Thr)

Gene: SCN8A (sodium voltage-gated channel alpha subunit 8; plus strand). Cytogenetic location: 12q13.13.
Variant type: single nucleotide variant.
Coding change: c.463C>A on transcript NM_001330260.2 (MANE Select); coding-DNA position 463, C replaced by A.
Protein change: p.Pro155Thr; replaces proline 155 with threonine.
Molecular consequence: missense variant.
Genome position (GRCh38, 1-based): chr12:51,686,435, C>A. VCF-style: chr12-51686435-C-A. GRCh37 (hg19) VCF-style: chr12-52080219-C-A.
Other names: c.463C>A, p.Pro155Thr (NM_001177984.3, NM_001369788.1, NM_014191.4); short protein forms P155T.
Identifiers: ClinVar variation 5017376 (VCV005017376.1).
Genomic context (GRCh38, chr12:51,686,435, plus strand): 5'-AGCATGATCATTATGTGCACTATTTTGACCAACTGTGTATTCATGACTTTTAGTAACCCT[C>A]CTGACTGGTCGAAGAATGTGGAGTAAGTAACTCATTTATGTGTGTGCTTGTTTGTTTTAA-3'
Protein context (NP_001317189.1, residues 145-165): NCVFMTFSNP[Pro155Thr]DWSKNVEYTF

ClinVar aggregate classification (germline): Uncertain significance (1 of 4 stars; one submission).

Submission:

GeneDx
Classification: Uncertain significance. Last evaluated: 2026-03-24. Review status: criteria provided, single submitter. Criteria: GeneDx Variant Classification Process June 2021. Collection method: clinical testing. Allele origin: germline.
Comment: Not observed at significant frequency in large population cohorts (gnomAD); In silico analysis supports that this missense variant has a deleterious effect on protein structure/function; Has not been previously published as pathogenic or benign to our knowledge; This substitution is predicted to be within the extracellular loop between the S1 and S2 transmembrane segments of the first homologous domain